The following is an entry in ClinVar:

ClinVar aggregate classification (germline): Likely pathogenic (1 of 4 stars; one submission).

Conditions:
Dilated cardiomyopathy 1G (CMD1G). Identifiers: Orphanet 154, MedGen C1858763, MONDO:0011400, OMIM 604145.

Submission:

Victorian Clinical Genetics Services, Murdoch Childrens Research Institute
Classification: Likely pathogenic for Dilated cardiomyopathy 1G. Last evaluated: 2025-11-26. Review status: criteria provided, single submitter. Criteria: ACMG Guidelines, 2015. Collection method: clinical testing. Allele origin: germline. Affected: yes.
Comment: This variant is classified as Likely pathogenic. Evidence in support of pathogenic classification: Variant is predicted to cause nonsense-mediated decay (NMD) and loss of protein (premature termination codon is located at least 54 nucleotides upstream of the final exon-exon junction); Variant is absent from gnomAD (v2, v3 and v4); Other NMD-predicted variants comparable to the one identified in this case have strong previous evidence for pathogenicity (ClinVar). Additional information: This variant is heterozygous; This gene is associated with both recessive and dominant disease (OMIM). - This variant has no previous evidence of pathogenicity; No published evidence of segregation with disease has been identified for this variant; No published functional evidence has been identified for this variant; Variant is located in the annotated A-band and the exon has a PSI score of 100% (PMID: 25589632). - Loss of function is a known mechanism of disease in this gene. In addition, dominant negative is also a suggested mechanism. (PMID: 25589632). - The condition associated with this gene has incomplete penetrance. Variants in this gene that result in a premature termination codon (PTC) are known to have reduced penetrance in DCM (PMID: 25589632); Inheritance information for this variant is not currently available in this individual.

Literature cited by the submitters: PubMed 25589632.

NM_001267550.2(TTN):c.51778_51781dup (p.Arg17261fs)

Genes: TTN (titin; minus strand), TTN-AS1 (TTN antisense RNA 1; plus strand). Cytogenetic location: 2q31.2.
Variant type: Duplication.
Coding change: c.51778_51781dup on transcript NM_001267550.2 (MANE Select); coding-DNA positions 51778 to 51781, 4 bases duplicated (AAAC; older notation c.51778_51781dupAAAC).
Protein change: p.Arg17261fs; shifts the reading frame from arginine 17261.
Molecular consequence: frameshift variant.
Genome position (GRCh38, 1-based): chr2:178,609,529-178,609,532, GTTT duplicated on the plus strand (AAAC on the coding strand, the reverse complement: TTN is on the minus strand). VCF-style (leftmost placement, unchanged base first): chr2-178609528-C-CGTTT. GRCh37 (hg19) VCF-style: chr2-179474255-C-CGTTT.
Other names: c.46855_46858dup, p.Arg15620fs (NM_001256850.1); c.24583_24586dup, p.Arg8196fs (NM_003319.4); c.44074_44077dup, p.Arg14693fs (NM_133378.4); c.24958_24961dup, p.Arg8321fs (NM_133432.3); c.25159_25162dup, p.Arg8388fs (NM_133437.4); short protein forms R14693fs, R15620fs, R17261fs, R8196fs, R8321fs, R8388fs.
Identifiers: ClinVar variation 4818978 (VCV004818978.1).